The following is an entry in ClinVar:

ClinVar aggregate classification (germline): Uncertain significance (1 of 4 stars; one submission).

Submission:

GeneDx
Classification: Uncertain significance. Last evaluated: 2024-07-29. Review status: criteria provided, single submitter. Criteria: GeneDx Variant Classification Process June 2021. Collection method: clinical testing. Allele origin: germline. Affected: yes.
Comment: Not observed at significant frequency in large population cohorts (gnomAD); In silico analysis indicates that this missense variant does not alter protein structure/function; Has not been previously published as pathogenic or benign to our knowledge

NM_004656.4(BAP1):c.1430C>G (p.Ala477Gly)

Gene: BAP1 (BRCA1 associated deubiquitinase 1; minus strand). Cytogenetic location: 3p21.1.
Variant type: single nucleotide variant.
Coding change: c.1430C>G on transcript NM_004656.4 (MANE Select); coding-DNA position 1430, C replaced by G.
Protein change: p.Ala477Gly; replaces alanine 477 with glycine.
Molecular consequence: missense variant.
Genome position (GRCh38, 1-based): chr3:52,403,715, G>C on the plus strand (C>G on the coding strand, the complement: BAP1 is on the minus strand). VCF-style: chr3-52403715-G-C. GRCh37 (hg19) VCF-style: chr3-52437731-G-C.
Other names: c.1376C>G, p.Ala459Gly (NM_001410772.1); short protein forms A459G, A477G.
Identifiers: ClinVar variation 3602436 (VCV003602436.1).